The following is an entry in ClinVar:

NM_015102.5(NPHP4):c.3927C>T (p.Asp1309=)

Gene: NPHP4 (nephrocystin 4; minus strand). Cytogenetic location: 1p36.31.
Variant type: single nucleotide variant.
Coding change: c.3927C>T on transcript NM_015102.5 (MANE Select); coding-DNA position 3927, C replaced by T.
Protein change: p.Asp1309=; no amino-acid change (aspartic acid 1309 retained).
Molecular consequence: synonymous variant. On other transcripts: non-coding transcript variant (1).
Genome position (GRCh38, 1-based): chr1:5,864,407, G>A on the plus strand (C>T on the coding strand, the complement: NPHP4 is on the minus strand). VCF-style: chr1-5864407-G-A. GRCh37 (hg19) VCF-style: chr1-5924467-G-A.
Other names: c.2388C>T, p.Asp796= (NM_001291593.2); c.2391C>T, p.Asp797= (NM_001291594.2); c.3927C>T (NM_015102.4).
Identifiers: ClinVar variation 196137 (VCV000196137.9), dbSNP rs377183096, ClinGen allele CA242971.
Genomic context (GRCh38, chr1:5,864,407, plus strand): 5'-GAGCGGCTGGCGGCAGCAGAGGCACACGAGCCAGGAGGCCACCAGCTGGTGGCAATCCAC[G>A]TCCACCAGGTTGAGATGGACAAAGCGGCTGCCGGCCCTAAGGGGCCTCACGCCAACATGC-3'
Protein context (NP_055917.1, residues 1299-1319): GSRFVHLNLV[Asp1309=]VDCHQLVASW

ClinVar aggregate classification (germline): Conflicting classifications of pathogenicity. Review status: criteria provided, conflicting classifications (1 of 4 stars). 3 submissions from 3 submitters: Uncertain significance (1); Likely benign (1). 1 of the submissions does not count toward it. Last evaluated 2024-10-26.

Conditions:
NPHP4-related disorder. Also called: NPHP4-related disorders; NPHP4-related condition. Identifiers: MedGen CN239384.
Nephronophthisis. Also called: Juvenile Nephronophthisis. Identifiers: Orphanet 655, MedGen C0687120, MONDO:0019005, HP:0000090.

Allele frequency attached by ClinVar (database versions not stated): gnomAD 0.00001; gnomAD exomes 0.00001 and 0.00002; ExAC 0.00002; TOPMed 0.00002; ESP Exome Variant Server 0.00008.
gnomAD v4.1: 9 of 1,611,622 alleles (0.00056%); highest among the groups gnomAD compares: Admixed American, 0.0084%; no homozygotes.

Submissions (3):

Labcorp Genetics (formerly Invitae), Labcorp
Classification: Likely benign for Nephronophthisis. Last evaluated: 2024-10-26. Review status: criteria provided, single submitter. Criteria: Invitae Variant Classification Sherloc (09022015). Collection method: clinical testing. Allele origin: germline.

Eurofins Ntd Llc (ga)
Classification: Uncertain significance. Last evaluated: 2015-04-23. Review status: criteria provided, single submitter. Criteria: EGL Classification Definitions 2015. Collection method: clinical testing. Allele origin: germline. Observed: 1 variant allele, 1 heterozygote.

PreventionGenetics, part of Exact Sciences
Classification: Likely benign for NPHP4-related condition. Last evaluated: 2021-05-12. Review status: no assertion criteria provided. Collection method: clinical testing. Allele origin: germline. Not counted in ClinVar's aggregate classification.
Comment: This variant is classified as likely benign based on ACMG/AMP sequence variant interpretation guidelines (Richards et al. 2015 PMID: 25741868, with internal and published modifications).